The following is an entry in ClinVar:

ClinVar aggregate classification (germline): Pathogenic (1 of 4 stars; one submission).

Conditions:
Myopathy, proximal, and ophthalmoplegia (CMYO6). Also called: MYOPATHY WITH CONGENITAL JOINT CONTRACTURES, OPHTHALMOPLEGIA, AND RIMMED VACUOLES; INCLUSION BODY MYOPATHY 3, AUTOSOMAL DOMINANT; CONGENITAL MYOPATHY 6 WITH OPHTHALMOPLEGIA. Identifiers: Orphanet 363677, Orphanet 79091, MedGen C1854106, MONDO:0011577, OMIM 605637.

Submission:

Labcorp Genetics (formerly Invitae), Labcorp
Classification: Pathogenic for Myopathy, proximal, and ophthalmoplegia. Last evaluated: 2022-10-07. Review status: criteria provided, single submitter. Criteria: Invitae Variant Classification Sherloc (09022015). Collection method: clinical testing. Allele origin: germline.
Comment: For these reasons, this variant has been classified as Pathogenic. This variant has not been reported in the literature in individuals affected with MYH2-related conditions. This variant is not present in population databases (gnomAD no frequency). This sequence change creates a premature translational stop signal (p.Asp1586Metfs*7) in the MYH2 gene. It is expected to result in an absent or disrupted protein product. Loss-of-function variants in MYH2 are known to be pathogenic (PMID: 20418530, 23388406, 24193343).

Literature cited by the submitters: PubMed 20418530; PubMed 23388406; PubMed 24193343.

NM_017534.6(MYH2):c.4756del (p.Asp1586fs)

Genes: MYH2 (myosin heavy chain 2; minus strand), MYHAS (myosin heavy chain gene cluster antisense RNA; plus strand), LOC126862500 (BRD4-independent group 4 enhancer GRCh37_chr17:10427829-10429028; plus strand). Cytogenetic location: 17p13.1.
Variant type: Deletion.
Coding change: c.4756del on transcript NM_017534.6 (MANE Select); coding-DNA position 4756, one base deleted (G; older notation c.4756delG).
Protein change: p.Asp1586fs; shifts the reading frame from aspartic acid 1586.
Molecular consequence: frameshift variant.
Genome position (GRCh38, 1-based): chr17:10,524,972, C deleted on the plus strand (G on the coding strand, the reverse complement: MYH2 is on the minus strand). VCF-style (leftmost placement, unchanged base first): chr17-10524971-TC-T. GRCh37 (hg19) VCF-style: chr17-10428288-TC-T.
Other names: c.4756del, p.Asp1586fs (NM_001100112.2); short protein forms D1586fs.
Identifiers: ClinVar variation 2021065 (VCV002021065.4), dbSNP rs2508414007, ClinGen allele CA2580092516.